The following is an entry in ClinVar:

ClinVar aggregate classification (germline): Likely benign (1 of 4 stars; one submission).

Submission:

CeGaT Center for Human Genetics Tuebingen
Classification: Likely benign. Last evaluated: 2026-07-01. Review status: criteria provided, single submitter. Criteria: CeGaT Center For Human Genetics Tuebingen Variant Classification Criteria Version 2. Collection method: clinical testing. Allele origin: germline. Affected: yes. Observed: 3 variant alleles.
Comment: DST: BP4, BP7

NM_001374736.1(DST):c.17145G>A (p.Gln5715=)

Gene: DST (dystonin; minus strand). Cytogenetic location: 6p12.1.
Variant type: single nucleotide variant.
Coding change: c.17145G>A on transcript NM_001374736.1 (MANE Select); coding-DNA position 17145, G replaced by A.
Protein change: p.Gln5715=; no amino-acid change (glutamine 5715 retained).
Molecular consequence: synonymous variant.
Genome position (GRCh38, 1-based): chr6:56,530,097, C>T on the plus strand (G>A on the coding strand, the complement: DST is on the minus strand). VCF-style: chr6-56530097-C-T. GRCh37 (hg19) VCF-style: chr6-56394895-C-T.
Other names: c.10788G>A, p.Gln3596= (NM_001144769.5); c.10374G>A, p.Gln3458= (NM_001144770.2); c.17145G>A, p.Gln5715= (NM_001374722.1); c.16512G>A, p.Gln5504= (NM_001374729.1); c.10254G>A, p.Gln3418= (NM_001374730.1, NM_001386100.1, NM_183380.4); c.17172G>A, p.Gln5724= (NM_001374734.1); c.9276G>A, p.Gln3092= (NM_015548.5).
Identifiers: ClinVar variation 4281307 (VCV004281307.7).